The following is an entry in ClinVar:

ClinVar aggregate classification (germline): Uncertain significance (1 of 4 stars; one submission).

Submission:

Labcorp Genetics (formerly Invitae), Labcorp
Classification: Uncertain significance. Last evaluated: 2025-08-18. Review status: criteria provided, single submitter. Criteria: Invitae Variant Classification Sherloc (09022015). Collection method: clinical testing. Allele origin: germline.
Comment: This sequence change replaces glycine, which is neutral and non-polar, with serine, which is neutral and polar, at codon 14 of the POLE protein (p.Gly14Ser). This variant is not present in population databases (gnomAD no frequency). This variant has not been reported in the literature in individuals affected with POLE-related conditions. ClinVar contains an entry for this variant (Variation ID: 1507028). An algorithm developed to predict the effect of missense changes on protein structure and function outputs the following: PolyPhen-2: "Benign". The serine amino acid residue is found in multiple mammalian species, which suggests that this missense change does not adversely affect protein function. In summary, the available evidence is currently insufficient to determine the role of this variant in disease. Therefore, it has been classified as a Variant of Uncertain Significance.

NM_006231.4(POLE):c.40G>A (p.Gly14Ser)

Genes: POLE (DNA polymerase epsilon, catalytic subunit; minus strand), LOC130009266 (ATAC-STARR-seq lymphoblastoid silent region 5123; plus strand). Cytogenetic location: 12q24.33.
Variant type: single nucleotide variant.
Coding change: c.40G>A on transcript NM_006231.4 (MANE Select); coding-DNA position 40, G replaced by A.
Protein change: p.Gly14Ser; replaces glycine 14 with serine.
Molecular consequence: missense variant.
Genome position (GRCh38, 1-based): chr12:132,687,276, C>T on the plus strand (G>A on the coding strand, the complement: POLE is on the minus strand). VCF-style: chr12-132687276-C-T. GRCh37 (hg19) VCF-style: chr12-133263862-C-T.
Other names: short protein forms G14S.
Identifiers: ClinVar variation 1507028 (VCV001507028.6), dbSNP rs2136052104, ClinGen allele CA387373394.